The following is an entry in ClinVar:

NM_015466.4(PTPN23):c.511C>T (p.Arg171Cys)

Gene: PTPN23 (protein tyrosine phosphatase non-receptor type 23; plus strand). Cytogenetic location: 3p21.31.
Variant type: single nucleotide variant.
Coding change: c.511C>T on transcript NM_015466.4 (MANE Select); coding-DNA position 511, C replaced by T.
Protein change: p.Arg171Cys; replaces arginine 171 with cysteine.
Molecular consequence: missense variant.
Genome position (GRCh38, 1-based): chr3:47,406,011, C>T. VCF-style: chr3-47406011-C-T. GRCh37 (hg19) VCF-style: chr3-47447501-C-T.
Other names: c.133C>T, p.Arg45Cys (NM_001304482.2); short protein forms R171C, R45C.
Identifiers: ClinVar variation 1959097 (VCV001959097.2), dbSNP rs758600673, ClinGen allele CA2365349.

ClinVar aggregate classification (germline): Uncertain significance (1 of 4 stars; one submission).

Allele frequency attached by ClinVar (database versions not stated): gnomAD exomes 0.00002; ExAC 0.00003; TOPMed 0.00004; gnomAD 0.00007.
gnomAD v4.1: 40 of 1,613,464 alleles (0.0025%); highest among the groups gnomAD compares: African/African-American, 0.0067%; no homozygotes.

Submission:

Labcorp Genetics (formerly Invitae), Labcorp
Classification: Uncertain significance. Last evaluated: 2022-08-19. Review status: criteria provided, single submitter. Criteria: Invitae Variant Classification Sherloc (09022015). Collection method: clinical testing. Allele origin: germline.
Comment: This sequence change replaces arginine, which is basic and polar, with cysteine, which is neutral and slightly polar, at codon 171 of the PTPN23 protein (p.Arg171Cys). This variant is present in population databases (rs758600673, gnomAD 0.004%). This variant has not been reported in the literature in individuals affected with PTPN23-related conditions. Algorithms developed to predict the effect of missense changes on protein structure and function are either unavailable or do not agree on the potential impact of this missense change (SIFT: "Tolerated"; PolyPhen-2: "Not Available"; Align-GVGD: "Class C15"). In summary, the available evidence is currently insufficient to determine the role of this variant in disease. Therefore, it has been classified as a Variant of Uncertain Significance.